The following is an entry in ClinVar:

ClinVar aggregate classification (germline): Uncertain significance (1 of 4 stars; one submission).

Conditions:
Primary ciliary dyskinesia. Also called: Ciliary dyskinesia. Identifiers: Orphanet 244, MedGen C0008780, MONDO:0016575, HP:0012265.

Submission:

Labcorp Genetics (formerly Invitae), Labcorp
Classification: Uncertain significance for Primary ciliary dyskinesia. Last evaluated: 2025-11-01. Review status: criteria provided, single submitter. Criteria: Invitae Variant Classification Sherloc (09022015). Collection method: clinical testing. Allele origin: germline.
Comment: This sequence change replaces valine, which is neutral and non-polar, with leucine, which is neutral and non-polar, at codon 584 of the RPGR protein (p.Val584Leu). This variant is not present in population databases (gnomAD no frequency). This variant has not been reported in the literature in individuals affected with RPGR-related conditions. Invitae Evidence Modeling of protein sequence and biophysical properties (such as structural, functional, and spatial information, amino acid conservation, physicochemical variation, residue mobility, and thermodynamic stability) indicates that this missense variant is not expected to disrupt RPGR protein function with a negative predictive value of 95%. In summary, the available evidence is currently insufficient to determine the role of this variant in disease. Therefore, it has been classified as a Variant of Uncertain Significance.

NM_001034853.2(RPGR):c.1750G>C (p.Val584Leu)

Gene: RPGR (retinitis pigmentosa GTPase regulator; minus strand). Cytogenetic location: Xp11.4.
Variant type: single nucleotide variant.
Coding change: c.1750G>C on transcript NM_001034853.2 (MANE Select); coding-DNA position 1750, G replaced by C.
Protein change: p.Val584Leu; replaces valine 584 with leucine.
Molecular consequence: missense variant. On other transcripts: intron variant (5).
Genome position (GRCh38, 1-based): chrX:38,287,864, C>G on the plus strand (G>C on the coding strand, the complement: RPGR is on the minus strand). VCF-style: chrX-38287864-C-G. GRCh37 (hg19) VCF-style: chrX-38147117-C-G.
Other names: c.1747G>C, p.Val583Leu (NM_001367245.1); c.1564G>C, p.Val522Leu (NM_001367246.1); c.1569+3095G>C (NM_001367249.1, NM_001367250.1); c.1386+3095G>C (NM_001367251.1); c.1572+3095G>C (NM_001367247.1); c.1602+3095G>C (NM_001367248.1); c.1750G>C, p.Val584Leu (NM_000328.3); short protein forms V583L, V522L, V584L.
Identifiers: ClinVar variation 4746270 (VCV004746270.1).
Genomic context (GRCh38, chrX:38,287,864, plus strand): 5'-TTTGTAAACCCTCTCCATCAGTGTCAGCCTGAGGTCCCACCTGGCCTGTGTCATTACCTA[C>G]TTCCTCATCTGAAAATGCTTCGATAGTCGTAGCTGGCTGCGTCATGAAAATCCCTTGTGA-3'
Protein context (NP_001030025.1, residues 574-594): TTIEAFSDEE[Val584Leu]EIPEEKEGAE